The following is an entry in ClinVar:

NM_001365536.1(SCN9A):c.1574A>G (p.His525Arg)

Genes: SCN9A (sodium voltage-gated channel alpha subunit 9; minus strand), SCN1A-AS1 (SCN1A and SCN9A antisense RNA 1; plus strand). Cytogenetic location: 2q24.3.
Variant type: single nucleotide variant.
Coding change: c.1574A>G on transcript NM_001365536.1 (MANE Select); coding-DNA position 1574, A replaced by G.
Protein change: p.His525Arg; replaces histidine 525 with arginine.
Molecular consequence: missense variant.
Genome position (GRCh38, 1-based): chr2:166,286,364, T>C on the plus strand (A>G on the coding strand, the complement: SCN9A is on the minus strand). VCF-style: chr2-166286364-T-C. GRCh37 (hg19) VCF-style: chr2-167142874-T-C.
Other names: c.1574A>G, p.His525Arg (NM_002977.4); short protein forms H525R.
Identifiers: ClinVar variation 1518466 (VCV001518466.8), dbSNP rs1334742005, ClinGen allele CA349084281.
Genomic context (GRCh38, chr2:166,286,364, plus strand): 5'-GGGTGATACACATTTAGCAATTTGGGTGGTACCTGATTGGGGGTAGACAACCTCTTTTCA[T>C]GTGCTCGCCTATGCCCTTCGACACCAAGGTGGAAACTTTTTCTTCTGATGCTGTCCTCTG-3'
Protein context (NP_001352465.1, residues 515-535): HLGVEGHRRA[His525Arg]EKRLSTPNQS

ClinVar aggregate classification (germline): Uncertain significance (1 of 4 stars; one submission).

Conditions:
Neuropathy, hereditary sensory and autonomic, type 2A (HSAN2A). Also called: HSAN IIA; WNK1-Related HSAN2 (HSAN2A); MORVAN DISEASE; NEUROPATHY, CONGENITAL SENSORY; NEUROPATHY, HEREDITARY SENSORY RADICULAR, AUTOSOMAL RECESSIVE; NEUROPATHY, HEREDITARY SENSORY, TYPE IIA. Identifiers: Orphanet 970, MedGen C2752089, MONDO:0024309, OMIM 201300.
Generalized epilepsy with febrile seizures plus, type 7 (GEFSP7). Also called: GEFS+, TYPE 7. Identifiers: Orphanet 36387, MedGen C2751778, MONDO:0013470, OMIM 613863.

Allele frequency attached by ClinVar (database versions not stated): TOPMed below 0.00001.
gnomAD v4.1: 4 of 1,611,538 alleles (0.00025%); highest among the groups gnomAD compares: Non-Finnish European, 0.00034%; no homozygotes.

Submission:

Labcorp Genetics (formerly Invitae), Labcorp
Classification: Uncertain significance for Neuropathy, hereditary sensory and autonomic, type 2A; Generalized epilepsy with febrile seizures plus, type 7. Last evaluated: 2026-01-11. Review status: criteria provided, single submitter. Criteria: Invitae Variant Classification Sherloc (09022015). Collection method: clinical testing. Allele origin: germline.
Comment: This sequence change replaces histidine, which is basic and polar, with arginine, which is basic and polar, at codon 525 of the SCN9A protein (p.His525Arg). This variant is not present in population databases (gnomAD no frequency). This variant has not been reported in the literature in individuals affected with SCN9A-related conditions. ClinVar contains an entry for this variant (Variation ID: 1518466). An algorithm developed to predict the effect of missense changes on protein structure and function outputs the following: PolyPhen-2: "Benign". The arginine amino acid residue is found in multiple mammalian species, which suggests that this missense change does not adversely affect protein function. In summary, the available evidence is currently insufficient to determine the role of this variant in disease. Therefore, it has been classified as a Variant of Uncertain Significance.